The following is an entry in ClinVar:

ClinVar aggregate classification (germline): Benign/Likely benign. Review status: criteria provided, multiple submitters, no conflicts (2 of 4 stars). 2 submissions from 2 submitters: Benign (1); Likely benign (1). Last evaluated 2024-03-21.

Conditions:
Familial adenomatous polyposis 1 (FAP1). Also called: POLYPOSIS, ADENOMATOUS INTESTINAL; FAMILIAL ADENOMATOUS POLYPOSIS 1, ATTENUATED. Identifiers: MedGen C2713442, MONDO:0021056, OMIM 175100. Disease mechanism: loss of function.

gnomAD v4.1: 1 of 1,614,096 alleles (0.000062%); highest among the groups gnomAD compares: Middle Eastern, 0.016%; no homozygotes.

Submissions (2):

Myriad Genetics, Inc.
Classification: Benign for Familial adenomatous polyposis 1. Last evaluated: 2024-03-21. Review status: criteria provided, single submitter. Criteria: Myriad Autosomal Dominant, Autosomal Recessive and X-Linked Classification Criteria (2023). Collection method: clinical testing. Allele origin: unknown.
Comment: This variant is considered benign. This variant is a silent/synonymous amino acid change and it is not expected to impact splicing.

Labcorp Genetics (formerly Invitae), Labcorp
Classification: Likely benign for Familial adenomatous polyposis 1. Last evaluated: 2023-10-08. Review status: criteria provided, single submitter. Criteria: Invitae Variant Classification Sherloc (09022015). Collection method: clinical testing. Allele origin: germline.

NM_000038.6(APC):c.3540T>C (p.Ser1180=)

Gene: APC (APC regulator of Wnt signaling pathway; plus strand). Cytogenetic location: 5q22.2.
Variant type: single nucleotide variant.
Coding change: c.3540T>C on transcript NM_000038.6 (MANE Select); coding-DNA position 3540, T replaced by C.
Protein change: p.Ser1180=; no amino-acid change (serine 1180 retained).
Molecular consequence: synonymous variant.
Genome position (GRCh38, 1-based): chr5:112,839,134, T>C. VCF-style: chr5-112839134-T-C. GRCh37 (hg19) VCF-style: chr5-112174831-T-C.
Other names: c.3540T>C, p.Ser1180= (NM_001127510.3, NM_001354895.2); c.3486T>C, p.Ser1162= (NM_001127511.3); c.3594T>C, p.Ser1198= (NM_001354896.2); c.3570T>C, p.Ser1190= (NM_001354897.2); c.3465T>C, p.Ser1155= (NM_001354898.2); c.3456T>C, p.Ser1152= (NM_001354899.2); c.3417T>C, p.Ser1139= (NM_001354900.2); c.3363T>C, p.Ser1121= (NM_001354901.2); and 5 more.
Identifiers: ClinVar variation 1089691 (VCV001089691.11), dbSNP rs2149893964, ClinGen allele CA445963570.